The following is an entry in ClinVar:

NM_005207.4(CRKL):c.39C>T (p.Ala13=)

Gene: CRKL (CRK like proto-oncogene, adaptor protein; plus strand). Cytogenetic location: 22q11.21.
Variant type: single nucleotide variant.
Coding change: c.39C>T on transcript NM_005207.4 (MANE Select); coding-DNA position 39, C replaced by T.
Protein change: p.Ala13=; no amino-acid change (alanine 13 retained).
Molecular consequence: synonymous variant. On other transcripts: non-coding transcript variant (1).
Genome position (GRCh38, 1-based): chr22:20,917,973, C>T. VCF-style: chr22-20917973-C-T. GRCh37 (hg19) VCF-style: chr22-21272261-C-T.
Identifiers: ClinVar variation 3353120 (VCV003353120.3).

ClinVar aggregate classification (germline): Likely benign. Review status: criteria provided, single submitter (1 of 4 stars). 2 submissions from 2 submitters: Likely benign (1). 1 of the submissions does not count toward it. Last evaluated 2024-12-24.

Conditions:
CRKL-related disorder. Also called: CRKL-related condition.

gnomAD v4.1: 13 of 1,614,030 alleles (0.00081%); highest among the groups gnomAD compares: East Asian, 0.0045%; no homozygotes.

Submissions (2):

Labcorp Genetics (formerly Invitae), Labcorp
Classification: Likely benign. Last evaluated: 2024-12-24. Review status: criteria provided, single submitter. Criteria: Invitae Variant Classification Sherloc (09022015). Collection method: clinical testing. Allele origin: germline.

PreventionGenetics, part of Exact Sciences
Classification: Likely benign for CRKL-related condition. Last evaluated: 2019-03-20. Review status: no assertion criteria provided. Collection method: clinical testing. Allele origin: germline. Not counted in ClinVar's aggregate classification.
Comment: This variant is classified as likely benign based on ACMG/AMP sequence variant interpretation guidelines (Richards et al. 2015 PMID: 25741868, with internal and published modifications).